The following is an entry in ClinVar:

ClinVar aggregate classification (germline): Pathogenic/Likely pathogenic. Review status: criteria provided, multiple submitters, no conflicts (2 of 4 stars). 2 submissions from 2 submitters: Pathogenic (1); Likely pathogenic (1). Last evaluated 2026-01-06.

Conditions:
Glycogen storage disease type III (GSD3). Also called: FORBES DISEASE; Cori disease. Identifiers: Orphanet 366, MedGen C0017922, MONDO:0009291, OMIM 232400.

Submissions (2):

Labcorp Genetics (formerly Invitae), Labcorp
Classification: Pathogenic for Glycogen storage disease type III. Last evaluated: 2026-01-06. Review status: criteria provided, single submitter. Criteria: Invitae Variant Classification Sherloc (09022015). Collection method: clinical testing. Allele origin: germline.
Comment: This sequence change is expected to alter the c-terminus of the AGL protein (p.Gln1509Serfs*38). While this is not anticipated to result in nonsense mediated decay, it is expected to disrupt the last 24 amino acid(s) of the AGL protein and extend the protein by 13 additional amino acid residues. This variant is present in population databases (no rsID available, gnomAD 0.003%). This variant has not been reported in the literature in individuals affected with AGL-related conditions. ClinVar contains an entry for this variant (Variation ID: 2160317). This variant disrupts a region of the AGL protein in which other variant(s) (p.Tyr1510*) have been determined to be pathogenic (PMID: 8990006, 20071996, 20490926, 23430490). This suggests that this is a clinically significant region of the protein, and that variants that disrupt it are likely to be disease-causing. For these reasons, this variant has been classified as Pathogenic.

Natera, Inc.
Classification: Likely pathogenic for Glycogen storage disease type III. Last evaluated: 2024-12-30. Review status: criteria provided, single submitter. Criteria: Natera Variant Classification Schema (03/2026). Collection method: clinical testing. Allele origin: germline.
Comment: The c.4525del variant in AGL is a frameshift variant predicted to elongate the protein beyond the termination codon. This variant is expected to result in nonsense mediated decay, truncation, or a dysfunctional protein product. This variant is rare in the general population with a frequency below the threshold expected for the associated phenotype(s). Given the available evidence, this variant is classified as Likely Pathogenic.

Literature cited by the submitters: PubMed 8990006 (cited by Labcorp Genetics (formerly Invitae), Labcorp); PubMed 20071996 (cited by Labcorp Genetics (formerly Invitae), Labcorp); PubMed 20490926 (cited by Labcorp Genetics (formerly Invitae), Labcorp); PubMed 23430490 (cited by Labcorp Genetics (formerly Invitae), Labcorp).

NM_000642.3(AGL):c.4525del (p.Gln1509fs)

Gene: AGL (amylo-alpha-1,6-glucosidase and 4-alpha-glucanotransferase; plus strand). Cytogenetic location: 1p21.2.
Variant type: Deletion.
Coding change: c.4525del on transcript NM_000642.3 (MANE Select); coding-DNA position 4525, one base deleted (C; older notation c.4525delC).
Protein change: p.Gln1509fs; shifts the reading frame from glutamine 1509.
Molecular consequence: frameshift variant.
Genome position (GRCh38, 1-based): chr1:99,921,577, C deleted; the last of 3 consecutive C bases (chr1:99,921,575-99,921,577); deleting any one gives the same sequence. VCF-style (leftmost placement, unchanged base first): chr1-99921574-GC-G. GRCh37 (hg19) VCF-style: chr1-100387130-GC-G.
Other names: c.4525del (NM_000642.2); c.4525delC, p.Gln1509Serfs (NM_000028.3, NM_000643.3, NM_000644.3 and 1 more transcripts); c.4477delC, p.Gln1493Serfs (NM_000646.3); c.4504delC, p.Gln1502Serfs (NM_001425326.1); c.4324delC, p.Gln1442Serfs (NM_001425327.1); c.4321delC, p.Gln1441Serfs (NM_001425328.1); c.4186delC, p.Gln1396Serfs (NM_001425329.1); c.4147delC, p.Gln1383Serfs (NM_001425332.1); short protein forms Q1493fs, Q1509fs.
Identifiers: ClinVar variation 2160317 (VCV002160317.5), dbSNP rs1175546784, ClinGen allele CA524711221.